The following is an entry in ClinVar:

NM_001376013.1(EPB41):c.1505C>T (p.Ala502Val)

Gene: EPB41 (erythrocyte membrane protein band 4.1; plus strand). Cytogenetic location: 1p35.3.
Variant type: single nucleotide variant.
Coding change: c.1505C>T on transcript NM_001376013.1 (MANE Select); coding-DNA position 1505, C replaced by T.
Protein change: p.Ala502Val; replaces alanine 502 with valine.
Molecular consequence: missense variant.
Genome position (GRCh38, 1-based): chr1:29,039,295, C>T. VCF-style: chr1-29039295-C-T. GRCh37 (hg19) VCF-style: chr1-29365807-C-T.
Other names: c.1505C>T, p.Ala502Val (NM_001166005.2, NM_001166006.2, NM_001376014.1 and 7 more transcripts); c.878C>T, p.Ala293Val (NM_001166007.2, NM_001376022.1, NM_001376023.1 and 7 more transcripts); c.1400C>T, p.Ala467Val (NM_203343.3); c.878C>T (NM_004437.3); short protein forms A293V, A467V, A502V.
Identifiers: ClinVar variation 1163135 (VCV001163135.13), dbSNP rs745905322, ClinGen allele CA724542.

ClinVar aggregate classification (germline): Uncertain significance. Review status: criteria provided, multiple submitters, no conflicts (2 of 4 stars). 4 submissions from 4 submitters: Uncertain significance (4). Last evaluated 2025-12-28.

Conditions:
Inborn genetic diseases. Identifiers: MedGen C0950123, MeSH D030342.
Elliptocytosis 1 (EL1). Also called: 4.1- TRAIT; 4.1-MINUS TRAIT; ELLIPTOCYTOSIS, RHESUS-LINKED TYPE; PROTEIN 4.1 OF ERYTHROCYTE MEMBRANE, DEFECT OF. Identifiers: Orphanet 288, MedGen C2678497, MONDO:0012731, OMIM 611804.

Allele frequency attached by ClinVar (database versions not stated): gnomAD 0.00001; TOPMed 0.00006; ExAC 0.00017; gnomAD exomes 0.00017.
gnomAD v4.1: 78 of 1,613,950 alleles (0.0048%); highest among the groups gnomAD compares: Admixed American, 0.063%; no homozygotes.

Submissions (4):

Labcorp Genetics (formerly Invitae), Labcorp
Classification: Uncertain significance. Last evaluated: 2025-12-28. Review status: criteria provided, single submitter. Criteria: Invitae Variant Classification Sherloc (09022015). Collection method: clinical testing. Allele origin: germline.
Comment: This sequence change replaces alanine, which is neutral and non-polar, with valine, which is neutral and non-polar, at codon 293 of the EPB41 protein (p.Ala293Val). This variant is present in population databases (rs745905322, gnomAD 0.1%). This variant has not been reported in the literature in individuals affected with EPB41-related conditions. ClinVar contains an entry for this variant (Variation ID: 1163135). Invitae Evidence Modeling of protein sequence and biophysical properties (such as structural, functional, and spatial information, amino acid conservation, physicochemical variation, residue mobility, and thermodynamic stability) indicates that this missense variant is not expected to disrupt EPB41 protein function with a negative predictive value of 80%. In summary, the available evidence is currently insufficient to determine the role of this variant in disease. Therefore, it has been classified as a Variant of Uncertain Significance.

Ambry Genetics
Classification: Uncertain significance for Inborn genetic diseases. Last evaluated: 2024-11-10. Review status: criteria provided, single submitter. Criteria: Ambry Variant Classification Scheme 2023. Collection method: clinical testing. Allele origin: germline.

Revvity Omics, Revvity
Classification: Uncertain significance for Elliptocytosis 1. Last evaluated: 2023-06-21. Review status: criteria provided, single submitter. Criteria: ACMG Guidelines, 2015. Collection method: clinical testing. Allele origin: germline.

Mayo Clinic Laboratories, Mayo Clinic
Classification: Uncertain significance. Last evaluated: 2020-10-16. Review status: criteria provided, single submitter. Criteria: ACMG Guidelines, 2015. Collection method: clinical testing. Allele origin: germline. Observed: 1 variant allele.